The following is an entry in ClinVar:

ClinVar aggregate classification (germline): Uncertain significance (1 of 4 stars; one submission).

Conditions:
Myofibrillar myopathy 3 (MFM3). Also called: Autosomal dominant spheroid body myopathy; Muscular dystrophy, proximal, type 1A. Identifiers: Orphanet 266, Orphanet 268129, MedGen C3714934, MONDO:0012215, OMIM 609200.

Submission:

Labcorp Genetics (formerly Invitae), Labcorp
Classification: Uncertain significance for Myofibrillar myopathy 3. Last evaluated: 2023-07-16. Review status: criteria provided, single submitter. Criteria: Invitae Variant Classification Sherloc (09022015). Collection method: clinical testing. Allele origin: germline.
Comment: In summary, the available evidence is currently insufficient to determine the role of this variant in disease. Therefore, it has been classified as a Variant of Uncertain Significance. An algorithm developed to predict the effect of missense changes on protein structure and function (PolyPhen-2) suggests that this variant is likely to be disruptive. This variant has not been reported in the literature in individuals affected with MYOT-related conditions. This variant is not present in population databases (gnomAD no frequency). This sequence change replaces proline, which is neutral and non-polar, with threonine, which is neutral and polar, at codon 376 of the MYOT protein (p.Pro376Thr).

NM_006790.3(MYOT):c.1126C>A (p.Pro376Thr)

Genes: PKD2L2-DT (PKD2L2 divergent transcript; minus strand), MYOT (myotilin; plus strand). Cytogenetic location: 5q31.2.
Variant type: single nucleotide variant.
Coding change: c.1126C>A on transcript NM_006790.3 (MANE Select); coding-DNA position 1126, C replaced by A.
Protein change: p.Pro376Thr; replaces proline 376 with threonine.
Molecular consequence: missense variant.
Genome position (GRCh38, 1-based): chr5:137,886,149, C>A. VCF-style: chr5-137886149-C-A. GRCh37 (hg19) VCF-style: chr5-137221838-C-A.
Other names: c.574C>A, p.Pro192Thr (NM_001135940.2); c.781C>A, p.Pro261Thr (NM_001300911.2); short protein forms P376T, P261T, P192T.
Identifiers: ClinVar variation 2763120 (VCV002763120.3), dbSNP rs777061001, ClinGen allele CA361056193.